The following is an entry in ClinVar:

ClinVar aggregate classification (germline): Conflicting classifications of pathogenicity. Review status: criteria provided, conflicting classifications (1 of 4 stars). 4 submissions from 4 submitters: Uncertain significance (2); Benign (1); Likely benign (1). Last evaluated 2025-09-15.

Conditions:
Emery-Dreifuss muscular dystrophy 5, autosomal dominant (EDMD5). Also called: EMERY-DREIFUSS MUSCULAR DYSTROPHY 5. Identifiers: Orphanet 261, MedGen C2751805, MONDO:0013072, OMIM 612999.

Allele frequency attached by ClinVar (database versions not stated): gnomAD exomes 0.00016 and 0.00051; ExAC 0.00017; gnomAD 0.00028 and 0.00031; TOPMed 0.00032; ESP Exome Variant Server 0.00054.
gnomAD v4.1: 807 of 1,613,772 alleles (0.05%); highest among the groups gnomAD compares: Non-Finnish European, 0.063%; no homozygotes.

Submissions (4):

Labcorp Genetics (formerly Invitae), Labcorp
Classification: Uncertain significance for Emery-Dreifuss muscular dystrophy 5, autosomal dominant. Last evaluated: 2025-09-15. Review status: criteria provided, single submitter. Criteria: Invitae Variant Classification Sherloc (09022015). Collection method: clinical testing. Allele origin: germline.
Comment: This sequence change replaces glutamic acid, which is acidic and polar, with lysine, which is basic and polar, at codon 4524 of the SYNE2 protein (p.Glu4524Lys). This variant is present in population databases (rs143646847, gnomAD 0.03%), and has an allele count higher than expected for a pathogenic variant. This variant has not been reported in the literature in individuals affected with SYNE2-related conditions. ClinVar contains an entry for this variant (Variation ID: 313589). An algorithm developed to predict the effect of missense changes on protein structure and function (PolyPhen-2) suggests that this variant is likely to be disruptive. In summary, the available evidence is currently insufficient to determine the role of this variant in disease. Therefore, it has been classified as a Variant of Uncertain Significance.

CeGaT Center for Human Genetics Tuebingen
Classification: Likely benign. Last evaluated: 2025-06-01. Review status: criteria provided, single submitter. Criteria: CeGaT Center For Human Genetics Tuebingen Variant Classification Criteria Version 2. Collection method: clinical testing. Allele origin: germline. Affected: yes. Observed: 2 variant alleles.
Comment: SYNE2: BP4

Ambry Genetics
Classification: Uncertain significance. Last evaluated: 2025-05-29. Review status: criteria provided, single submitter. Criteria: Ambry Variant Classification Scheme 2023. Collection method: clinical testing. Allele origin: germline.

Illumina Laboratory Services, Illumina
Classification: Benign for Emery-Dreifuss muscular dystrophy 5, autosomal dominant. Last evaluated: 2018-01-12. Review status: criteria provided, single submitter. Criteria: ICSL Variant Classification Criteria 13 December 2019. Collection method: clinical testing. Allele origin: germline.
Comment: This variant was observed in the ICSL laboratory as part of a predisposition screen in an ostensibly healthy population. It had not been previously curated by ICSL or reported in the Human Gene Mutation Database (HGMD: prior to June 1st, 2018), and was therefore a candidate for classification through an automated scoring system. Utilizing variant allele frequency, disease prevalence and penetrance estimates, and inheritance mode, an automated score was calculated to assess if this variant is too frequent to cause the disease. Based on the score and internal cut-off values, a variant classified as benign is not then subjected to further curation. The score for this variant resulted in a classification of benign for this disease.

NM_182914.3(SYNE2):c.13570G>A (p.Glu4524Lys)

Gene: SYNE2 (spectrin repeat containing nuclear envelope protein 2; plus strand). Cytogenetic location: 14q23.2.
Variant type: single nucleotide variant.
Coding change: c.13570G>A on transcript NM_182914.3 (MANE Select); coding-DNA position 13570, G replaced by A.
Protein change: p.Glu4524Lys; replaces glutamic acid 4524 with lysine.
Molecular consequence: missense variant.
Genome position (GRCh38, 1-based): chr14:64,126,342, G>A. VCF-style: chr14-64126342-G-A. GRCh37 (hg19) VCF-style: chr14-64593060-G-A.
Other names: c.13570G>A, p.Glu4524Lys (NM_015180.6); short protein forms E4524K.
Identifiers: ClinVar variation 313589 (VCV000313589.39), dbSNP rs143646847, ClinGen allele CA7222498.